The following is an entry in ClinVar:

ClinVar aggregate classification (germline): Benign/Likely benign. Review status: criteria provided, multiple submitters, no conflicts (2 of 4 stars). 2 submissions from 2 submitters: Benign (1); Likely benign (1). Last evaluated 2026-05-30.

Conditions:
Colorectal cancer, hereditary nonpolyposis, type 7. Identifiers: Orphanet 144, MedGen C1858380, MONDO:0013725, OMIM 614385.

Submissions (2):

Ambry Genetics
Classification: Likely benign. Last evaluated: 2026-05-30. Review status: criteria provided, single submitter. Criteria: Ambry Variant Classification Scheme 2023. Collection method: clinical testing. Allele origin: germline.

Myriad Genetics, Inc.
Classification: Benign for Colorectal cancer, hereditary nonpolyposis, type 7. Last evaluated: 2026-05-04. Review status: criteria provided, single submitter. Criteria: Myriad Autosomal Dominant, Autosomal Recessive and X-Linked Classification Criteria (2023). Collection method: clinical testing. Allele origin: unknown.
Comment: This variant is considered benign. This variant is a silent/synonymous amino acid change and it is not expected to impact splicing.

NM_001040108.2(MLH3):c.1947A>T (p.Ser649=)

Gene: MLH3 (mutL homolog 3; minus strand). Cytogenetic location: 14q24.3.
Variant type: single nucleotide variant.
Coding change: c.1947A>T on transcript NM_001040108.2 (MANE Select); coding-DNA position 1947, A replaced by T.
Protein change: p.Ser649=; no amino-acid change (serine 649 retained).
Molecular consequence: synonymous variant.
Genome position (GRCh38, 1-based): chr14:75,047,709, T>A on the plus strand (A>T on the coding strand, the complement: MLH3 is on the minus strand). VCF-style: chr14-75047709-T-A. GRCh37 (hg19) VCF-style: chr14-75514412-T-A.
Other names: c.1947A>T, p.Ser649= (NM_014381.3).
Identifiers: ClinVar variation 4860222 (VCV004860222.2).
Genomic context (GRCh38, chr14:75,047,709, plus strand): 5'-CAATTGACCAGATTCTTTACTTAAAGTGCTGGCTAAATCTTTGATGTCTGGAGTTTCAAC[T>A]GAATGACGTGTTCTATTTCCAAATGTTTCTTGGGCACGTGTGGGACCAGGTCTAACATAA-3'
Protein context (NP_001035197.1, residues 639-659): QETFGNRTRH[Ser649=]VETPDIKDLA